The following is an entry in ClinVar:

NM_001364905.1(LRBA):c.5833C>T (p.Arg1945Cys)

Gene: LRBA (LPS responsive beige-like anchor protein; minus strand). Cytogenetic location: 4q31.3.
Variant type: single nucleotide variant.
Coding change: c.5833C>T on transcript NM_001364905.1 (MANE Select); coding-DNA position 5833, C replaced by T.
Protein change: p.Arg1945Cys; replaces arginine 1945 with cysteine.
Molecular consequence: missense variant.
Genome position (GRCh38, 1-based): chr4:150,683,639, G>A on the plus strand (C>T on the coding strand, the complement: LRBA is on the minus strand). VCF-style: chr4-150683639-G-A. GRCh37 (hg19) VCF-style: chr4-151604791-G-A.
Other names: c.5833C>T, p.Arg1945Cys (NM_001199282.3, NM_001367550.1, NM_006726.5); short protein forms R1945C.
Identifiers: ClinVar variation 1715732 (VCV001715732.5), dbSNP rs752669335, ClinGen allele CA3102334.
Genomic context (GRCh38, chr4:150,683,639, plus strand): 5'-GCTTGTCTGTGAGAATGTTGATAATTTTCTGGATTAGTTGAGTTGCTGTCACGTGGTCAC[G>A]ATATTTTGCTGCTCTTATCAAATGATCACACATCTTCTCATCTTCTCGTTTGTCTGCAGA-3'
Protein context (NP_001351834.1, residues 1935-1955): CDHLIRAAKY[Arg1945Cys]DHVTATQLIQ

ClinVar aggregate classification (germline): Uncertain significance (1 of 4 stars; one submission).

Conditions:
Combined immunodeficiency due to LRBA deficiency. Also called: Common variable immunodeficiency 8, with autoimmunity. Identifiers: Orphanet 445018, MedGen C3553512, MONDO:0013863, OMIM 614700.

Allele frequency attached by ClinVar (database versions not stated): gnomAD exomes below 0.00001; ExAC 0.00001; gnomAD 0.00001; TOPMed 0.00002.
gnomAD v4.1: 3 of 1,612,996 alleles (0.00019%); highest among the groups gnomAD compares: Admixed American, 0.0017%; no homozygotes.

Submission:

Labcorp Genetics (formerly Invitae), Labcorp
Classification: Uncertain significance for Combined immunodeficiency due to LRBA deficiency. Last evaluated: 2022-08-08. Review status: criteria provided, single submitter. Criteria: Invitae Variant Classification Sherloc (09022015). Collection method: clinical testing. Allele origin: germline.
Comment: In summary, the available evidence is currently insufficient to determine the role of this variant in disease. Therefore, it has been classified as a Variant of Uncertain Significance. Algorithms developed to predict the effect of missense changes on protein structure and function are either unavailable or do not agree on the potential impact of this missense change (SIFT: "Deleterious"; PolyPhen-2: "Probably Damaging"; Align-GVGD: "Class C0"). This variant has not been reported in the literature in individuals affected with LRBA-related conditions. This variant is present in population databases (rs752669335, gnomAD 0.007%). This sequence change replaces arginine, which is basic and polar, with cysteine, which is neutral and slightly polar, at codon 1945 of the LRBA protein (p.Arg1945Cys).